The following is an entry in ClinVar:

NM_001371623.1(TCOF1):c.1729C>G (p.Gln577Glu)

Gene: TCOF1 (treacle ribosome biogenesis factor 1; plus strand). Cytogenetic location: 5q32.
Variant type: single nucleotide variant.
Coding change: c.1729C>G on transcript NM_001371623.1 (MANE Select); coding-DNA position 1729, C replaced by G.
Protein change: p.Gln577Glu; replaces glutamine 577 with glutamic acid.
Molecular consequence: missense variant.
Genome position (GRCh38, 1-based): chr5:150,375,745, C>G. VCF-style: chr5-150375745-C-G. GRCh37 (hg19) VCF-style: chr5-149755308-C-G.
Other names: c.1729C>G, p.Gln577Glu (NM_001135244.2, NM_001195141.2, NM_001008657.3 and 1 more transcripts); c.1498C>G, p.Gln500Glu (NM_001135245.2, NM_000356.4); c.1729C>G (NM_001135243.1); short protein forms Q500E, Q577E.
Identifiers: ClinVar variation 2637431 (VCV002637431.2), dbSNP rs2533477851, ClinGen allele CA361748355.

ClinVar aggregate classification (germline): Uncertain significance. Review status: criteria provided, single submitter (1 of 4 stars). 2 submissions from 2 submitters: Uncertain significance (1). 1 of the submissions does not count toward it. Last evaluated 2023-10-24.

Conditions:
TCOF1-related disorder. Also called: TCOF1-related condition.

Submissions (2):

Women's Health and Genetics/Laboratory Corporation of America, LabCorp
Classification: Uncertain significance. Last evaluated: 2023-10-24. Review status: criteria provided, single submitter. Criteria: LabCorp Variant Classification Summary - May 2015. Collection method: clinical testing. Allele origin: germline.
Comment: Variant summary: TCOF1 c.1729C>G (p.Gln577Glu) results in a conservative amino acid change located in the Treacle protein domain (IPR003993) of the encoded protein sequence. Five of five in-silico tools predict a benign effect of the variant on protein function. The variant was absent in 251318 control chromosomes. The available data on variant occurrences in the general population are insufficient to allow any conclusion about variant significance. To our knowledge, no occurrence of c.1729C>G in individuals affected with Treacher-Collins Syndrome 1 and no experimental evidence demonstrating its impact on protein function have been reported. No submitters have cited clinical-significance assessments for this variant to ClinVar after 2014. Based on the evidence outlined above, the variant was classified as uncertain significance.

PreventionGenetics, part of Exact Sciences
Classification: Uncertain significance for TCOF1-related condition. Last evaluated: 2024-03-08. Review status: no assertion criteria provided. Collection method: clinical testing. Allele origin: germline. Not counted in ClinVar's aggregate classification.
Comment: The TCOF1 c.1729C>G variant is predicted to result in the amino acid substitution p.Gln577Glu. To our knowledge, this variant has not been reported in the literature or in a large population database, indicating this variant is rare. At this time, the clinical significance of this variant is uncertain due to the absence of conclusive functional and genetic evidence.